The following is an entry in ClinVar:

NM_024809.5(TCTN2):c.419A>G (p.Gln140Arg)

Gene: TCTN2 (tectonic family member 2; plus strand). Cytogenetic location: 12q24.31.
Variant type: single nucleotide variant.
Coding change: c.419A>G on transcript NM_024809.5 (MANE Select); coding-DNA position 419, A replaced by G.
Protein change: p.Gln140Arg; replaces glutamine 140 with arginine.
Molecular consequence: missense variant.
Genome position (GRCh38, 1-based): chr12:123,673,766, A>G. VCF-style: chr12-123673766-A-G. GRCh37 (hg19) VCF-style: chr12-124158313-A-G.
Other names: c.419A>G (NM_024809.3); c.416A>G, p.Gln139Arg (NM_001143850.3); short protein forms Q140R, Q139R.
Identifiers: ClinVar variation 1387920 (VCV001387920.6), dbSNP rs375814526, ClinGen allele CA6860886.

ClinVar aggregate classification (germline): Uncertain significance. Review status: criteria provided, multiple submitters, no conflicts (2 of 4 stars). 2 submissions from 2 submitters: Uncertain significance (2). Last evaluated 2024-09-09.

Conditions:
Inborn genetic diseases. Identifiers: MedGen C0950123, MeSH D030342.
Joubert syndrome. Also called: CEREBELLOPARENCHYMAL DISORDER IV; JOUBERT-BOLTSHAUSER SYNDROME; Familial aplasia of the vermis. Identifiers: Orphanet 475, MedGen C5979921, MONDO:0018772.
Meckel-Gruber syndrome. Also called: DYSENCEPHALIA SPLANCHNOCYSTICA; GRUBER SYNDROME; Dysencephalia splachnocystica. Identifiers: Orphanet 564, MedGen C0265215, MONDO:0018921.

Allele frequency attached by ClinVar (database versions not stated): ExAC 0.00001; gnomAD 0.00001; gnomAD exomes 0.00001; ESP Exome Variant Server 0.00008; TOPMed below 0.00001.
gnomAD v4.1: 12 of 1,614,088 alleles (0.00074%); highest among the groups gnomAD compares: South Asian, 0.011%; no homozygotes.

Submissions (2):

Ambry Genetics
Classification: Uncertain significance for Inborn genetic diseases. Last evaluated: 2024-09-09. Review status: criteria provided, single submitter. Criteria: Ambry Variant Classification Scheme 2023. Collection method: clinical testing. Allele origin: germline.

Labcorp Genetics (formerly Invitae), Labcorp
Classification: Uncertain significance for Joubert syndrome; Meckel-Gruber syndrome. Last evaluated: 2021-09-24. Review status: criteria provided, single submitter. Criteria: Invitae Variant Classification Sherloc (09022015). Collection method: clinical testing. Allele origin: germline.
Comment: This sequence change replaces glutamine with arginine at codon 140 of the TCTN2 protein (p.Gln140Arg). The glutamine residue is highly conserved and there is a small physicochemical difference between glutamine and arginine. This variant is present in population databases (rs375814526, ExAC 0.01%). This variant has not been reported in the literature in individuals with TCTN2-related conditions. Algorithms developed to predict the effect of missense changes on protein structure and function output the following: SIFT: "Tolerated"; PolyPhen-2: "Benign"; Align-GVGD: "Class C0". The arginine amino acid residue is found in multiple mammalian species, suggesting that this missense change does not adversely affect protein function. These predictions have not been confirmed by published functional studies and their clinical significance is uncertain. In summary, the available evidence is currently insufficient to determine the role of this variant in disease. Therefore, it has been classified as a Variant of Uncertain Significance.